The following is an entry in ClinVar:

NM_001042681.2(RERE):c.4136_4153del (p.Leu1379_Pro1384del)

Gene: RERE (arginine-glutamic acid dipeptide repeats; minus strand). Cytogenetic location: 1p36.23.
Variant type: Deletion.
Coding change: c.4136_4153del on transcript NM_001042681.2 (MANE Select); coding-DNA positions 4136 to 4153, 18 bases deleted (TGGCCCTGGCGGGCCCCC).
Protein change: p.Leu1379_Pro1384del.
Molecular consequence: inframe deletion.
Genome position (GRCh38, 1-based): chr1:8,358,382-8,358,399, GGGGGCCCGCCAGGGCCA deleted on the plus strand (TGGCCCTGGCGGGCCCCC on the coding strand, the reverse complement: RERE is on the minus strand); deleting any 18 consecutive bases within chr1:8,358,382-8,358,400 gives the same sequence; the c. name uses the placement nearest the transcript's 3' end. VCF-style (leftmost placement, unchanged base first): chr1-8358381-TGGGGGCCCGCCAGGGCCA-T. GRCh37 (hg19) VCF-style: chr1-8418441-TGGGGGCCCGCCAGGGCCA-T.
Other names: c.4136_4153del (NM_012102.3); c.2474_2491del, p.Leu825_Pro830del (NM_001042682.2); c.4136_4153del, p.Leu1379_Pro1384del (NM_012102.4).
Identifiers: ClinVar variation 2747335 (VCV002747335.4), dbSNP rs2522693534, ClinGen allele CA2697552156.

ClinVar aggregate classification (germline): Uncertain significance. Review status: criteria provided, multiple submitters, no conflicts (2 of 4 stars). 2 submissions from 2 submitters: Uncertain significance (2). Last evaluated 2026-03-18.

Submissions (2):

GeneDx
Classification: Uncertain significance. Last evaluated: 2026-03-18. Review status: criteria provided, single submitter. Criteria: GeneDx Variant Classification Process June 2021. Collection method: clinical testing. Allele origin: germline.
Comment: Not observed at significant frequency in large population cohorts (gnomAD); In-frame deletion of 6 amino acid(s) in a non-repeat region; In silico analysis suggests that this variant does not alter protein structure/function; Has not been previously published as pathogenic or benign to our knowledge

Labcorp Genetics (formerly Invitae), Labcorp
Classification: Uncertain significance. Last evaluated: 2025-08-04. Review status: criteria provided, single submitter. Criteria: Invitae Variant Classification Sherloc (09022015). Collection method: clinical testing. Allele origin: germline.
Comment: This variant, c.4136_4153del, results in the deletion of 6 amino acid(s) of the RERE protein (p.Leu1379_Pro1384del), but otherwise preserves the integrity of the reading frame. This variant is not present in population databases (gnomAD no frequency). This variant has not been reported in the literature in individuals affected with RERE-related conditions. ClinVar contains an entry for this variant (Variation ID: 2747335). Experimental studies and prediction algorithms are not available or were not evaluated, and the functional significance of this variant is currently unknown. In summary, the available evidence is currently insufficient to determine the role of this variant in disease. Therefore, it has been classified as a Variant of Uncertain Significance.